The following is an entry in ClinVar:

NM_001283009.2(RTEL1):c.3506C>T (p.Ser1169Leu)

Genes: RTEL1 (regulator of telomere elongation helicase 1; plus strand), RTEL1-TNFRSF6B (RTEL1-TNFRSF6B readthrough (NMD candidate); plus strand). Cytogenetic location: 20q13.33.
Variant type: single nucleotide variant.
Coding change: c.3506C>T on transcript NM_001283009.2 (MANE Select); coding-DNA position 3506, C replaced by T.
Protein change: p.Ser1169Leu; replaces serine 1169 with leucine.
Molecular consequence: missense variant. On other transcripts: non-coding transcript variant (1).
Genome position (GRCh38, 1-based): chr20:63,695,334, C>T. VCF-style: chr20-63695334-C-T. GRCh37 (hg19) VCF-style: chr20-62326687-C-T.
Other names: c.2837C>T, p.Ser946Leu (NM_001283010.1); c.3506C>T, p.Ser1169Leu (NM_016434.4); c.3578C>T, p.Ser1193Leu (NM_032957.5); short protein forms S1193L, S946L, S1169L.
Identifiers: ClinVar variation 2045657 (VCV002045657.4), dbSNP rs371883201, ClinGen allele CA9966099.

ClinVar aggregate classification (germline): Uncertain significance. Review status: criteria provided, multiple submitters, no conflicts (2 of 4 stars). 2 submissions from 2 submitters: Uncertain significance (2). Last evaluated 2024-10-21.

Conditions:
Pulmonary fibrosis and/or bone marrow failure, Telomere-related, 3. Also called: PULMONARY FIBROSIS AND/OR BONE MARROW FAILURE SYNDROME, TELOMERE-RELATED, 3. Identifiers: Orphanet 2032, MedGen C4225346, MONDO:0014613, OMIM 616373.
Dyskeratosis congenita, autosomal recessive 5 (DKCB5). Identifiers: MedGen C3554656, MONDO:0014076, OMIM 615190.

Allele frequency attached by ClinVar (database versions not stated): ExAC 0.00006; ESP Exome Variant Server 0.00015; TOPMed 0.00018; gnomAD 0.00022; 1000 Genomes Project 0.00040; 1000 Genomes Project 30x 0.00062.
gnomAD v4.1: 56 of 1,559,652 alleles (0.0036%); highest among the groups gnomAD compares: African/African-American, 0.071%; no homozygotes.

Submissions (2):

Labcorp Genetics (formerly Invitae), Labcorp
Classification: Uncertain significance for Dyskeratosis congenita, autosomal recessive 5; Pulmonary fibrosis and/or bone marrow failure, Telomere-related, 3. Last evaluated: 2024-10-21. Review status: criteria provided, single submitter. Criteria: Invitae Variant Classification Sherloc (09022015). Collection method: clinical testing. Allele origin: germline.
Comment: This sequence change replaces serine, which is neutral and polar, with leucine, which is neutral and non-polar, at codon 1169 of the RTEL1 protein (p.Ser1169Leu). This variant is present in population databases (rs371883201, gnomAD 0.06%). This variant has not been reported in the literature in individuals affected with RTEL1-related conditions. ClinVar contains an entry for this variant (Variation ID: 2045657). An algorithm developed to predict the effect of missense changes on protein structure and function (PolyPhen-2) suggests that this variant is likely to be tolerated. In summary, the available evidence is currently insufficient to determine the role of this variant in disease. Therefore, it has been classified as a Variant of Uncertain Significance.

GeneDx
Classification: Uncertain significance. Last evaluated: 2023-03-31. Review status: criteria provided, single submitter. Criteria: GeneDx Variant Classification Process June 2021. Collection method: clinical testing. Allele origin: germline. Affected: yes.
Comment: In silico analysis supports that this missense variant does not alter protein structure/function; Has not been previously published as pathogenic or benign to our knowledge